The following is an entry in ClinVar:

ClinVar aggregate classification (germline): Uncertain significance (1 of 4 stars; one submission).

Allele frequency attached by ClinVar (database versions not stated): gnomAD 0.00001; gnomAD exomes 0.00001.
gnomAD v4.1: 9 of 1,614,160 alleles (0.00056%); highest among the groups gnomAD compares: East Asian, 0.02%; no homozygotes.

Submission:

Women's Health and Genetics/Laboratory Corporation of America, LabCorp
Classification: Uncertain significance. Last evaluated: 2023-02-07. Review status: criteria provided, single submitter. Criteria: LabCorp Variant Classification Summary - May 2015. Collection method: clinical testing. Allele origin: germline.
Comment: Variant summary: NCF4 c.729C>A (p.Tyr243X) results in a premature termination codon and is predicted to cause a truncation of the encoded protein, which is a commonly known mechanism for disease. Although the variant is not predicted to cause nonsense mediate decay, the variant is expected to disrupt the last 106 amino acids in the protein sequence. The variant was absent in 251386 control chromosomes (gnomAD). To our knowledge, no occurrence of c.729C>A in individuals affected with Chronic Granulomatous Disease and no experimental evidence demonstrating its impact on protein function have been reported. No clinical diagnostic laboratories have submitted clinical-significance assessments for this variant to ClinVar after 2014. Based on the evidence outlined above, the variant was classified as uncertain significance.

NM_000631.5(NCF4):c.729C>A (p.Tyr243Ter)

Gene: NCF4 (neutrophil cytosolic factor 4; plus strand). Cytogenetic location: 22q12.3.
Variant type: single nucleotide variant.
Coding change: c.729C>A on transcript NM_000631.5 (MANE Select); coding-DNA position 729, C replaced by A.
Protein change: p.Tyr243Ter; replaces tyrosine 243 with a stop codon.
Molecular consequence: nonsense.
Genome position (GRCh38, 1-based): chr22:36,875,754, C>A. VCF-style: chr22-36875754-C-A. GRCh37 (hg19) VCF-style: chr22-37271796-C-A.
Other names: c.729C>A, p.Tyr243Ter (NM_013416.4); short protein forms Y243*.
Identifiers: ClinVar variation 2445745 (VCV002445745.1), dbSNP rs761570088, ClinGen allele CA411388952.